The following is an entry in ClinVar:

NM_004947.5(DOCK3):c.6076G>A (p.Gly2026Ser)

Gene: DOCK3 (dedicator of cytokinesis 3; plus strand). Cytogenetic location: 3p21.2.
Variant type: single nucleotide variant.
Coding change: c.6076G>A on transcript NM_004947.5 (MANE Select); coding-DNA position 6076, G replaced by A.
Protein change: p.Gly2026Ser; replaces glycine 2026 with serine.
Molecular consequence: missense variant.
Genome position (GRCh38, 1-based): chr3:51,381,542, G>A. VCF-style: chr3-51381542-G-A. GRCh37 (hg19) VCF-style: chr3-51418973-G-A.
Other names: short protein forms G2026S.
Identifiers: ClinVar variation 5009044 (VCV005009044.1).
Genomic context (GRCh38, chr3:51,381,542, plus strand): 5'-AAGGCTCCATTGCCTCCTGGGAGCGCTAAGGAGGAGCAGGCCCGCATGGCCTGGGAGCAC[G>A]GCCGAGGGGAGCAGTGAGGGGCAACGAGGCGGCTGGGATGCCGCCCTCAGTAAGCAGCTT-3'
Protein context (NP_004938.1, residues 2016-2030): EEQARMAWEH[Gly2026Ser]RGEQ

ClinVar aggregate classification (germline): Uncertain significance (1 of 4 stars; one submission).

gnomAD v4.1: 61 of 1,538,618 alleles (0.004%); highest among the groups gnomAD compares: Middle Eastern, 0.022%; no homozygotes.

Submission:

GeneDx
Classification: Uncertain significance. Last evaluated: 2026-03-21. Review status: criteria provided, single submitter. Criteria: GeneDx Variant Classification Process June 2021. Collection method: clinical testing. Allele origin: germline.
Comment: In silico analysis suggests that this missense variant does not alter protein structure/function; Has not been previously published as pathogenic or benign to our knowledge